The following is an entry in ClinVar:

NM_031844.3(HNRNPU):c.709_713del (p.Gln237fs)

Gene: HNRNPU (heterogeneous nuclear ribonucleoprotein U; minus strand). Cytogenetic location: 1q44.
Variant type: Microsatellite.
Coding change: c.709_713del on transcript NM_031844.3 (MANE Select); coding-DNA positions 709 to 713, 5 bases deleted (CAGAA; older notation c.709_713delCAGAA).
Protein change: p.Gln237fs; shifts the reading frame from glutamine 237.
Molecular consequence: frameshift variant.
Genome position (GRCh38, 1-based): chr1:244,862,709-244,862,713, TTCTG deleted on the plus strand (CAGAA on the coding strand, the reverse complement: HNRNPU is on the minus strand); deleting any 5 consecutive bases within chr1:244,862,709-244,862,720 gives the same sequence; the c. name uses the placement nearest the transcript's 3' end. VCF-style (leftmost placement, unchanged base first): chr1-244862708-TTTCTG-T. GRCh37 (hg19) VCF-style: chr1-245026010-TTTCTG-T.
Other names: c.652_656del, p.Gln218fs (NM_004501.3); short protein forms Q218fs, Q237fs.
Identifiers: ClinVar variation 4056766 (VCV004056766.1).

ClinVar aggregate classification (germline): Likely pathogenic (1 of 4 stars; one submission).

Conditions:
Developmental and epileptic encephalopathy, 54. Also called: Epileptic encephalopathy, early infantile, 54; HNRNPU-Related Neurodevelopmental Disorder. Identifiers: MedGen C4479319, MONDO:0033363, OMIM 617391.

Submission:

Laboratorio de Genetica e Diagnostico Molecular, Hospital Israelita Albert Einstein
Classification: Likely pathogenic for Developmental and epileptic encephalopathy, 54. Last evaluated: 2023-10-10. Review status: criteria provided, single submitter. Criteria: ACMG Guidelines, 2015. Collection method: clinical testing. Allele origin: germline. Affected: yes.
Comment: ACMG classification criteria: PVS1 very strong, PM2 moderate